The following is an entry in ClinVar:

NM_000094.4(COL7A1):c.7791C>G (p.Asp2597Glu)

Gene: COL7A1 (collagen type VII alpha 1 chain; minus strand). Cytogenetic location: 3p21.31.
Variant type: single nucleotide variant.
Coding change: c.7791C>G on transcript NM_000094.4 (MANE Select); coding-DNA position 7791, C replaced by G.
Protein change: p.Asp2597Glu; replaces aspartic acid 2597 with glutamic acid.
Molecular consequence: missense variant.
Genome position (GRCh38, 1-based): chr3:48,568,502, G>C on the plus strand (C>G on the coding strand, the complement: COL7A1 is on the minus strand). VCF-style: chr3-48568502-G-C. GRCh37 (hg19) VCF-style: chr3-48605935-G-C.
Other names: short protein forms D2597E.
Identifiers: ClinVar variation 3697333 (VCV003697333.2).

ClinVar aggregate classification (germline): Uncertain significance (1 of 4 stars; one submission).

Submission:

Labcorp Genetics (formerly Invitae), Labcorp
Classification: Uncertain significance. Last evaluated: 2024-04-18. Review status: criteria provided, single submitter. Criteria: Invitae Variant Classification Sherloc (09022015). Collection method: clinical testing. Allele origin: germline.
Comment: This sequence change replaces aspartic acid, which is acidic and polar, with glutamic acid, which is acidic and polar, at codon 2597 of the COL7A1 protein (p.Asp2597Glu). This variant is not present in population databases (gnomAD no frequency). This variant has not been reported in the literature in individuals affected with COL7A1-related conditions. Advanced modeling of protein sequence and biophysical properties (such as structural, functional, and spatial information, amino acid conservation, physicochemical variation, residue mobility, and thermodynamic stability) performed at Invitae indicates that this missense variant is not expected to disrupt COL7A1 protein function with a negative predictive value of 95%. In summary, the available evidence is currently insufficient to determine the role of this variant in disease. Therefore, it has been classified as a Variant of Uncertain Significance.